The following is an entry in ClinVar:

ClinVar aggregate classification (germline): Uncertain significance (1 of 4 stars; one submission).

Conditions:
Muscular dystrophy-dystroglycanopathy type B6 (MDDGB6). Also called: MUSCULAR DYSTROPHY, CONGENITAL, LARGE-RELATED; MUSCULAR DYSTROPHY, CONGENITAL, TYPE 1D; MUSCULAR DYSTROPHY-DYSTROGLYCANOPATHY (CONGENITAL WITH IMPAIRED INTELLECTUAL DEVELOPMENT), TYPE B, 6. Identifiers: MedGen C1837229, MONDO:0012138, OMIM 608840.

Allele frequency attached by ClinVar (database versions not stated): gnomAD exomes below 0.00001.
gnomAD v4.1: 1 of 1,614,204 alleles (0.000062%); highest among the groups gnomAD compares: Non-Finnish European, 0.000085%; no homozygotes.

Submission:

Labcorp Genetics (formerly Invitae), Labcorp
Classification: Uncertain significance for Muscular dystrophy-dystroglycanopathy type B6. Last evaluated: 2020-02-18. Review status: criteria provided, single submitter. Criteria: Invitae Variant Classification Sherloc (09022015). Collection method: clinical testing. Allele origin: germline.
Comment: This sequence change replaces isoleucine with asparagine at codon 251 of the LARGE1 protein (p.Ile251Asn). The isoleucine residue is highly conserved and there is a large physicochemical difference between isoleucine and asparagine. This variant is not present in population databases (ExAC no frequency). This variant has not been reported in the literature in individuals with LARGE1-related conditions. Algorithms developed to predict the effect of missense changes on protein structure and function are either unavailable or do not agree on the potential impact of this missense change (SIFT: "Tolerated"; PolyPhen-2: "Probably Damaging"; Align-GVGD: "Class C0"). In summary, the available evidence is currently insufficient to determine the role of this variant in disease. Therefore, it has been classified as a Variant of Uncertain Significance.

NM_133642.5(LARGE1):c.752T>A (p.Ile251Asn)

Gene: LARGE1 (LARGE xylosyl- and glucuronyltransferase 1; minus strand). Cytogenetic location: 22q12.3.
Variant type: single nucleotide variant.
Coding change: c.752T>A on transcript NM_133642.5 (MANE Select); coding-DNA position 752, T replaced by A.
Protein change: p.Ile251Asn; replaces isoleucine 251 with asparagine.
Molecular consequence: missense variant.
Genome position (GRCh38, 1-based): chr22:33,564,883, A>T on the plus strand (T>A on the coding strand, the complement: LARGE1 is on the minus strand). VCF-style: chr22-33564883-A-T. GRCh37 (hg19) VCF-style: chr22-33960869-A-T.
Other names: c.752T>A, p.Ile251Asn (NM_001362949.2, NM_001362951.2, NM_001362953.2 and 7 more transcripts); c.149T>A, p.Ile50Asn (NM_001378630.1, NM_001378631.1); short protein forms I251N, I50N.
Identifiers: ClinVar variation 1000285 (VCV001000285.9), dbSNP rs2077976439, ClinGen allele CA411545625.